The following is an entry in ClinVar:

ClinVar aggregate classification (germline): Uncertain significance. Review status: criteria provided, multiple submitters, no conflicts (2 of 4 stars). 2 submissions from 2 submitters: Uncertain significance (2). Last evaluated 2025-07-08.

Conditions:
Danon disease. Also called: Glycogen Storage Disease Type IIb; PSEUDOGLYCOGENOSIS II; GSD IIb; LYSOSOMAL GLYCOGEN STORAGE DISEASE WITHOUT ACID MALTASE DEFICIENCY; ANTOPOL DISEASE. Identifiers: Orphanet 34587, MedGen C0878677, MONDO:0010281, OMIM 300257.

Submissions (2):

Labcorp Genetics (formerly Invitae), Labcorp
Classification: Uncertain significance for Danon disease. Last evaluated: 2025-07-08. Review status: criteria provided, single submitter. Criteria: Invitae Variant Classification Sherloc (09022015). Collection method: clinical testing. Allele origin: germline.
Comment: This sequence change replaces threonine, which is neutral and polar, with proline, which is neutral and non-polar, at codon 181 of the LAMP2 protein (p.Thr181Pro). This variant is not present in population databases (gnomAD no frequency). This variant has not been reported in the literature in individuals affected with LAMP2-related conditions. ClinVar contains an entry for this variant (Variation ID: 3775499). Invitae Evidence Modeling of protein sequence and biophysical properties (such as structural, functional, and spatial information, amino acid conservation, physicochemical variation, residue mobility, and thermodynamic stability) indicates that this missense variant is expected to disrupt LAMP2 protein function with a positive predictive value of 80%. In summary, the available evidence is currently insufficient to determine the role of this variant in disease. Therefore, it has been classified as a Variant of Uncertain Significance.

3billion
Classification: Uncertain significance for Danon disease. Last evaluated: 2024-01-03. Review status: criteria provided, single submitter. Criteria: ACMG Guidelines, 2015. Collection method: clinical testing. Allele origin: germline. Affected: yes.
Comment: The variant is not observed in the gnomAD v2.1.1 dataset. Predicted Consequence/Location: The majority of the known disease-causing variants of this gene are variants expected to result in premature termination of the protein. Damaging effect on gene or gene product predicted by in silico programs is uncertain [REVEL: 0.40 (damaging >=0.6, benign <0.4), 3Cnet: 0.31 (damaging >=0.6, benign <0.15), Splice AI: NA (spliceogenicity >=0.2, non-spliceogenicity <0.1)]. Therefore, this variant is classified as VUS according to the recommendation of ACMG/AMP guideline.

NM_002294.3(LAMP2):c.541A>C (p.Thr181Pro)

Gene: LAMP2 (lysosome associated membrane protein 2; minus strand). Cytogenetic location: Xq24.
Variant type: single nucleotide variant.
Coding change: c.541A>C on transcript NM_002294.3 (MANE Select); coding-DNA position 541, A replaced by C.
Protein change: p.Thr181Pro; replaces threonine 181 with proline.
Molecular consequence: missense variant.
Genome position (GRCh38, 1-based): chrX:120,448,985, T>G on the plus strand (A>C on the coding strand, the complement: LAMP2 is on the minus strand). VCF-style: chrX-120448985-T-G. GRCh37 (hg19) VCF-style: chrX-119582840-T-G.
Other names: c.541A>C, p.Thr181Pro (NM_001122606.1, NM_013995.2); short protein forms T181P.
Identifiers: ClinVar variation 3775499 (VCV003775499.2).